The following is an entry in ClinVar:

ClinVar aggregate classification (germline): Uncertain significance (1 of 4 stars; one submission).

Conditions:
Severe combined immunodeficiency due to DCLRE1C deficiency (RS-SCID). Also called: SCID, AUTOSOMAL RECESSIVE, T CELL-NEGATIVE, B CELL-NEGATIVE, NK CELL-POSITIVE, WITH SENSITIVITY TO IONIZING RADIATION. Identifiers: Orphanet 275, MedGen C1865371, MONDO:0011225, OMIM 602450.

gnomAD v4.1: 1 of 1,613,988 alleles (0.000062%); highest among the groups gnomAD compares: South Asian, 0.0011%; no homozygotes.

Submission:

Labcorp Genetics (formerly Invitae), Labcorp
Classification: Uncertain significance for Athabaskan severe combined immunodeficiency. Last evaluated: 2017-06-13. Review status: criteria provided, single submitter. Criteria: Invitae Variant Classification Sherloc (09022015). Collection method: clinical testing. Allele origin: germline.
Comment: This sequence change replaces proline with leucine at codon 662 of the DCLRE1C protein (p.Pro662Leu). The proline residue is highly conserved and there is a moderate physicochemical difference between proline and leucine. This variant is not present in population databases (ExAC no frequency). This variant has not been reported in the literature in individuals with a DCLRE1C-related disease. Algorithms developed to predict the effect of missense changes on protein structure and function (SIFT, PolyPhen-2, Align-GVGD) all suggest that this variant is likely to be disruptive, but these predictions have not been confirmed by published functional studies and their clinical significance is uncertain. In summary, this variant has uncertain impact on DCLRE1C function. The available evidence is currently insufficient to determine its role in disease. Therefore, it has been classified as a Variant of Uncertain Significance.

NM_001033855.3(DCLRE1C):c.1985C>T (p.Pro662Leu)

Gene: DCLRE1C (DNA cross-link repair 1C; minus strand). Cytogenetic location: 10p13.
Variant type: single nucleotide variant.
Coding change: c.1985C>T on transcript NM_001033855.3 (MANE Select); coding-DNA position 1985, C replaced by T.
Protein change: p.Pro662Leu; replaces proline 662 with leucine.
Molecular consequence: missense variant. On other transcripts: non-coding transcript variant (3), intron variant (3).
Genome position (GRCh38, 1-based): chr10:14,908,502, G>A on the plus strand (C>T on the coding strand, the complement: DCLRE1C is on the minus strand). VCF-style: chr10-14908502-G-A. GRCh37 (hg19) VCF-style: chr10-14950501-G-A.
Other names: c.1625C>T, p.Pro542Leu (NM_001033857.3, NM_001033858.3, NM_001289077.2 and 1 more transcripts); c.1640C>T, p.Pro547Leu (NM_001289076.2, NM_001289078.2, NM_022487.4); c.1437+203C>T (NM_001350966.2); c.1782+203C>T (NM_001350965.2); c.1422+203C>T (NM_001350967.2); short protein forms P662L, P542L, P547L.
Identifiers: ClinVar variation 468485 (VCV000468485.7), dbSNP rs1554773491, ClinGen allele CA376074136.